The following is an entry in ClinVar:

ClinVar aggregate classification (germline): Uncertain significance (1 of 4 stars; one submission).

Conditions:
IFT172-related disorder. Also called: IFT172-related condition; IFT172-related disorders.

Submission:

PreventionGenetics, part of Exact Sciences
Classification: Uncertain significance for IFT172-related condition. Last evaluated: 2025-08-21. Review status: criteria provided, single submitter. Criteria: ACMG Guidelines, 2015. Collection method: clinical testing. Allele origin: germline.
Comment: The IFT172 c.4213A>C variant is predicted to result in the amino acid substitution p.Lys1405Gln. To our knowledge, this variant has not been reported in the literature or in a large population database (gnomAD), indicating this variant is rare. At this time, the clinical significance of this variant is uncertain due to the absence of conclusive functional and genetic evidence.

NM_015662.3(IFT172):c.4213A>C (p.Lys1405Gln)

Gene: IFT172 (intraflagellar transport 172; minus strand). Cytogenetic location: 2p23.3.
Variant type: single nucleotide variant.
Coding change: c.4213A>C on transcript NM_015662.3 (MANE Select); coding-DNA position 4213, A replaced by C.
Protein change: p.Lys1405Gln; replaces lysine 1405 with glutamine.
Molecular consequence: missense variant.
Genome position (GRCh38, 1-based): chr2:27,449,510, T>G on the plus strand (A>C on the coding strand, the complement: IFT172 is on the minus strand). VCF-style: chr2-27449510-T-G. GRCh37 (hg19) VCF-style: chr2-27672377-T-G.
Other names: c.4147A>C, p.Lys1383Gln (NM_001410739.1); short protein forms K1405Q, K1383Q.
Identifiers: ClinVar variation 4993071 (VCV004993071.1).